The following is an entry in ClinVar:

ClinVar aggregate classification (germline): Conflicting classifications of pathogenicity. Review status: criteria provided, conflicting classifications (1 of 4 stars). 5 submissions from 5 submitters: Uncertain significance (3); Likely benign (1). 1 of the submissions does not count toward it. Last evaluated 2025-11-01.

Conditions:
Autosomal dominant nonsyndromic hearing loss 11. Identifiers: Orphanet 90635, MedGen C1832475, MONDO:0011032, OMIM 601317.
Usher syndrome type 1 (USH1). Also called: RETINITIS PIGMENTOSA AND CONGENITAL DEAFNESS. Identifiers: Orphanet 231169, Orphanet 886, MedGen C1568247, MONDO:0010168, OMIM 276900.
Autosomal recessive nonsyndromic hearing loss 2. Also called: NEUROSENSORY NONSYNDROMIC RECESSIVE DEAFNESS 2; DEAFNESS, AUTOSOMAL RECESSIVE 2. Identifiers: Orphanet 90636, MedGen C1838701, MONDO:0010807, OMIM 600060.
Usher syndrome type 1B (USH1B). Also called: Usher syndrome type IB. Identifiers: MedGen C1848638, MONDO:0700087.

Allele frequency attached by ClinVar (database versions not stated): gnomAD exomes 0.00005 and 0.00012; ExAC 0.00006; gnomAD 0.00010; TOPMed 0.00013; 1000 Genomes Project 30x 0.00016; ESP Exome Variant Server 0.00016; 1000 Genomes Project 0.00020.
gnomAD v4.1: 191 of 1,613,764 alleles (0.012%); highest among the groups gnomAD compares: Middle Eastern, 0.016%; no homozygotes.

Submissions (5):

Women's Health and Genetics/Laboratory Corporation of America, LabCorp
Classification: Uncertain significance. Last evaluated: 2025-11-01. Review status: criteria provided, single submitter. Criteria: LabCorp Variant Classification Summary - May 2015. Collection method: clinical testing. Allele origin: germline.

Labcorp Genetics (formerly Invitae), Labcorp
Classification: Uncertain significance. Last evaluated: 2025-10-21. Review status: criteria provided, single submitter. Criteria: Invitae Variant Classification Sherloc (09022015). Collection method: clinical testing. Allele origin: germline.
Comment: This sequence change falls in intron 12 of the MYO7A gene. It does not directly change the encoded amino acid sequence of the MYO7A protein. It affects a nucleotide within the consensus splice site. This variant is present in population databases (rs201886336, gnomAD 0.02%). This variant has not been reported in the literature in individuals affected with MYO7A-related conditions. ClinVar contains an entry for this variant (Variation ID: 990565). Variants that disrupt the consensus splice site are a relatively common cause of aberrant splicing (PMID: 17576681, 9536098). Algorithms developed to predict the effect of sequence changes on RNA splicing suggest that this variant is not likely to affect RNA splicing. In summary, the available evidence is currently insufficient to determine the role of this variant in disease. Therefore, it has been classified as a Variant of Uncertain Significance.

Blueprint Genetics
Classification: Likely benign. Last evaluated: 2024-10-31. Review status: criteria provided, single submitter. Criteria: ACMG Guidelines, 2015. Collection method: clinical testing. Allele origin: germline.

Fulgent Genetics
Classification: Uncertain significance for Usher syndrome type 1; Autosomal recessive nonsyndromic hearing loss 2; Autosomal dominant nonsyndromic hearing loss 11. Last evaluated: 2024-01-16. Review status: criteria provided, single submitter. Criteria: ACMG Guidelines, 2015. Collection method: clinical testing. Allele origin: germline.

Natera, Inc.
Classification: Uncertain significance for Usher syndrome type 1B. Last evaluated: 2020-04-16. Review status: no assertion criteria provided. Collection method: clinical testing. Allele origin: germline. Not counted in ClinVar's aggregate classification.

Literature cited by the submitters: PubMed 17576681 (cited by Labcorp Genetics (formerly Invitae), Labcorp); PubMed 9536098 (cited by Labcorp Genetics (formerly Invitae), Labcorp).

NM_000260.4(MYO7A):c.1343+6G>A

Gene: MYO7A (myosin VIIA; plus strand). Cytogenetic location: 11q13.5.
Variant type: single nucleotide variant.
Coding change: c.1343+6G>A on transcript NM_000260.4 (MANE Select); 6 bases into the intron after coding-DNA position 1343, G replaced by A.
Molecular consequence: intron variant.
Genome position (GRCh38, 1-based): chr11:77,161,121, G>A. VCF-style: chr11-77161121-G-A. GRCh37 (hg19) VCF-style: chr11-76872167-G-A.
Other names: c.1310+6G>A (NM_001369365.1); c.1343+6G>A (NM_001127180.2).
Identifiers: ClinVar variation 990565 (VCV000990565.8), dbSNP rs201886336, ClinGen allele CA6197457.